The following is an entry in ClinVar:

NM_000883.4(IMPDH1):c.1538A>C (p.Lys513Thr)

Gene: IMPDH1 (inosine monophosphate dehydrogenase 1; minus strand). Cytogenetic location: 7q32.1.
Variant type: single nucleotide variant.
Coding change: c.1538A>C on transcript NM_000883.4 (MANE Select); coding-DNA position 1538, A replaced by C.
Protein change: p.Lys513Thr; replaces lysine 513 with threonine.
Molecular consequence: missense variant.
Genome position (GRCh38, 1-based): chr7:128,394,901, T>G on the plus strand (A>C on the coding strand, the complement: IMPDH1 is on the minus strand). VCF-style: chr7-128394901-T-G. GRCh37 (hg19) VCF-style: chr7-128034955-T-G.
Other names: c.1508A>C, p.Lys503Thr (NM_001102605.2); c.1283A>C, p.Lys428Thr (NM_001142573.2); c.1268A>C, p.Lys423Thr (NM_001142574.2); c.1208A>C, p.Lys403Thr (NM_001142575.2); c.1439A>C, p.Lys480Thr (NM_001142576.2); c.1331A>C, p.Lys444Thr (NM_001304521.2); c.1430A>C, p.Lys477Thr (NM_183243.3); c.1538A>C (NM_000883.3); short protein forms K403T, K423T, K428T, K444T, K477T, K480T, K503T, K513T.
Identifiers: ClinVar variation 1116504 (VCV001116504.10), dbSNP rs763473401, ClinGen allele CA4470812.

ClinVar aggregate classification (germline): Likely benign. Review status: criteria provided, multiple submitters, no conflicts (2 of 4 stars). 2 submissions from 2 submitters: Likely benign (2). Last evaluated 2025-11-18.

Conditions:
IMPDH1-related disorder. Also called: IMPDH1-related disorders; IMPDH1-related condition.

Allele frequency attached by ClinVar (database versions not stated): ExAC 0.00013; gnomAD exomes 0.00015 and 0.00002; gnomAD 0.00002; TOPMed 0.00003.
gnomAD v4.1: 28 of 1,612,148 alleles (0.0017%); highest among the groups gnomAD compares: East Asian, 0.06%; no homozygotes.

Submissions (2):

PreventionGenetics, part of Exact Sciences
Classification: Likely benign for IMPDH1-related condition. Last evaluated: 2025-11-18. Review status: criteria provided, single submitter. Criteria: ACMG Guidelines, 2015. Collection method: clinical testing. Allele origin: germline.
Comment: This variant is classified as likely benign based on ACMG/AMP sequence variant interpretation guidelines (Richards et al. 2015 PMID: 25741868, with internal and published modifications).

Labcorp Genetics (formerly Invitae), Labcorp
Classification: Likely benign. Last evaluated: 2025-09-13. Review status: criteria provided, single submitter. Criteria: Invitae Variant Classification Sherloc (09022015). Collection method: clinical testing. Allele origin: germline.